The following is an entry in ClinVar:

NM_006648.4(WNK2):c.6491G>C (p.Trp2164Ser)

Gene: WNK2 (WNK lysine deficient protein kinase 2; plus strand). Cytogenetic location: 9q22.31.
Variant type: single nucleotide variant.
Coding change: c.6491G>C on transcript NM_006648.4 (MANE Select); coding-DNA position 6491, G replaced by C.
Protein change: p.Trp2164Ser; replaces tryptophan 2164 with serine.
Molecular consequence: missense variant.
Genome position (GRCh38, 1-based): chr9:93,308,559, G>C. VCF-style: chr9-93308559-G-C. GRCh37 (hg19) VCF-style: chr9-96070841-G-C.
Other names: c.6602G>C, p.Trp2201Ser (NM_001282394.3); short protein forms W2201S, W2164S.
Identifiers: ClinVar variation 4201829 (VCV004201829.1).

ClinVar aggregate classification (germline): Uncertain significance (1 of 4 stars; one submission).

gnomAD v4.1: 4 of 1,598,736 alleles (0.00025%); highest among the groups gnomAD compares: Non-Finnish European, 0.00026%; no homozygotes.

Submission:

Ambry Genetics
Classification: Uncertain significance. Last evaluated: 2025-08-29. Review status: criteria provided, single submitter. Criteria: Ambry Variant Classification Scheme 2023. Collection method: clinical testing. Allele origin: germline.
Comment: The p.W2164S variant (also known as c.6491G>C), located in coding exon 27 of the WNK2 gene, results from a G to C substitution at nucleotide position 6491. The tryptophan at codon 2164 is replaced by serine, an amino acid with highly dissimilar properties. This amino acid position is conserved. In addition, this alteration is predicted to be tolerated by in silico analysis. Based on the available evidence, the clinical significance of this variant remains unclear.